The following is an entry in ClinVar:

ClinVar aggregate classification (germline): Likely benign. Review status: criteria provided, multiple submitters, no conflicts (2 of 4 stars). 2 submissions from 2 submitters: Likely benign (2). Last evaluated 2025-11-09.

Allele frequency attached by ClinVar (database versions not stated): TOPMed 0.00002; ExAC 0.00003; gnomAD 0.00003; ESP Exome Variant Server 0.00008.
gnomAD v4.1: 27 of 1,613,926 alleles (0.0017%); highest among the groups gnomAD compares: Admixed American, 0.005%; no homozygotes.

Submissions (2):

Labcorp Genetics (formerly Invitae), Labcorp
Classification: Likely benign. Last evaluated: 2025-11-09. Review status: criteria provided, single submitter. Criteria: Invitae Variant Classification Sherloc (09022015). Collection method: clinical testing. Allele origin: germline.

CeGaT Center for Human Genetics Tuebingen
Classification: Likely benign. Last evaluated: 2025-03-01. Review status: criteria provided, single submitter. Criteria: CeGaT Center For Human Genetics Tuebingen Variant Classification Criteria Version 2. Collection method: clinical testing. Allele origin: germline. Affected: yes. Observed: 1 variant allele.
Comment: REL: BP4, BP7

NM_001291746.2(REL):c.1314C>T (p.Val438=)

Gene: REL (REL proto-oncogene, NF-kB subunit; plus strand). Cytogenetic location: 2p16.1.
Variant type: single nucleotide variant.
Coding change: c.1314C>T on transcript NM_001291746.2 (MANE Select); coding-DNA position 1314, C replaced by T.
Protein change: p.Val438=; no amino-acid change (valine 438 retained).
Molecular consequence: synonymous variant.
Genome position (GRCh38, 1-based): chr2:60,922,085, C>T. VCF-style: chr2-60922085-C-T. GRCh37 (hg19) VCF-style: chr2-61149220-C-T.
Other names: c.1410C>T, p.Val470= (NM_002908.4).
Identifiers: ClinVar variation 2748213 (VCV002748213.10), dbSNP rs368454199, ClinGen allele CA1672466.